The following is an entry in ClinVar:

NM_015922.3(NSDHL):c.727G>A (p.Val243Met)

Gene: NSDHL (NAD(P) dependent 3-beta-hydroxysteroid dehydrogenase NSDHL; plus strand). Cytogenetic location: Xq28.
Variant type: single nucleotide variant.
Coding change: c.727G>A on transcript NM_015922.3 (MANE Select); coding-DNA position 727, G replaced by A.
Protein change: p.Val243Met; replaces valine 243 with methionine.
Molecular consequence: missense variant.
Genome position (GRCh38, 1-based): chrX:152,867,611, G>A. VCF-style: chrX-152867611-G-A. GRCh37 (hg19) VCF-style: chrX-152036155-G-A.
Other names: c.727G>A, p.Val243Met (NM_001129765.2); short protein forms V243M.
Identifiers: ClinVar variation 159453 (VCV000159453.16), dbSNP rs587784224, ClinGen allele CA272342.
Genomic context (GRCh38, chrX:152,867,611, plus strand): 5'-CATCCCTTGTGCACCTGCAGAAATGGGAAGAACTTGGTGGACTTCACCTTTGTGGAGAAC[G>A]TGGTCCATGGACACATCCTGGCGGCAGAGCAGCTCTCCCGAGACTCGACACTGGGTGGGA-3'
Protein context (NP_057006.1, residues 233-253): NLVDFTFVEN[Val243Met]VHGHILAAEQ

ClinVar aggregate classification (germline): Conflicting classifications of pathogenicity. Review status: criteria provided, conflicting classifications (1 of 4 stars). 4 submissions from 4 submitters: Pathogenic (1); Likely pathogenic (2); Uncertain significance (1). Last evaluated 2023-12-11.

Conditions:
Child syndrome. Also called: CHILD (Congenital Hemidysplasia with Ichthyosiform Nevus and Limb Defects) Syndrome. Identifiers: Orphanet 139, MedGen C0265267, MONDO:0010621, OMIM 308050.

Submissions (4):

Labcorp Genetics (formerly Invitae), Labcorp
Classification: Pathogenic. Last evaluated: 2023-12-11. Review status: criteria provided, single submitter. Criteria: Invitae Variant Classification Sherloc (09022015). Collection method: clinical testing. Allele origin: germline.
Comment: This sequence change replaces valine, which is neutral and non-polar, with methionine, which is neutral and non-polar, at codon 243 of the NSDHL protein (p.Val243Met). This variant is not present in population databases (gnomAD no frequency). This missense change has been observed in individual(s) with CHILD syndrome and/or NSDHL-related conditions (PMID: 34787337; Invitae). In at least one individual the variant was observed to be de novo. ClinVar contains an entry for this variant (Variation ID: 159453). An algorithm developed to predict the effect of missense changes on protein structure and function (PolyPhen-2) suggests that this variant is likely to be disruptive. For these reasons, this variant has been classified as Pathogenic.

GeneDx
Classification: Likely pathogenic. Last evaluated: 2020-08-11. Review status: criteria provided, single submitter. Criteria: GeneDx Variant Classification Process June 2021. Collection method: clinical testing. Allele origin: germline. Affected: yes.
Comment: Has not been previously published as pathogenic or benign to our knowledge; Not observed in large population cohorts (Lek et al., 2016); In silico analysis supports that this missense variant has a deleterious effect on protein structure/function

Eurofins Ntd Llc (ga)
Classification: Uncertain significance. Last evaluated: 2017-08-31. Review status: criteria provided, single submitter. Criteria: EGL Classification Definitions 2015. Collection method: clinical testing. Allele origin: germline. Observed: 1 variant allele, 1 heterozygote.

Genetic Services Laboratory, University of Chicago
Classification: Likely pathogenic for CHILD syndrome. Last evaluated: 2013-02-08. Review status: criteria provided, single submitter. Criteria: ACMG Guidelines, 2007. Collection method: clinical testing. Allele origin: germline. Inheritance: X-linked inheritance. Affected: yes.

Literature cited by the submitters: PubMed 34787337 (cited by Labcorp Genetics (formerly Invitae), Labcorp).